The following is an entry in ClinVar:

ClinVar aggregate classification (germline): Uncertain significance (1 of 4 stars; one submission).

Conditions:
Neurodevelopmental disorder with or without early-onset generalized epilepsy. Identifiers: MedGen C5436914, MONDO:0030930, OMIM 619157.

gnomAD v4.1: 4 of 1,613,722 alleles (0.00025%); highest among the groups gnomAD compares: Non-Finnish European, 0.000085%; no homozygotes.

Submission:

Neuberg Centre For Genomic Medicine, NCGM
Classification: Uncertain significance for Neurodevelopmental disorder with or without early-onset generalized epilepsy. Review status: criteria provided, single submitter. Criteria: ACMG Guidelines, 2015. Collection method: clinical testing. Allele origin: germline. Inheritance: Autosomal dominant inheritance. Affected: yes.
Comment: The missense variant c.7744C>T (p.Pro2582Ser) in the NBEA gene has not been reported previously as a pathogenic variant nor as a benign variant, to our knowledge. This variant is reported with the allele frequency (0.0004%) in the gnomAD Exomes. The amino acid Proline at position 2582 is changed to a Serine changing protein sequence and it might alter its composition and physico-chemical properties. Multiple lines of computational evidence (Polyphen - Damaging, SIFT - Damaging and MutationTaster - Disease causing) predict a damaging effect on protein structure and function for this variant. The amino acid change p.Pro2582Ser in NBEA is predicted as conserved by GERP++ and PhyloP across 100 vertebrates. For these reasons, this variant has been classified as Uncertain Significance.

NM_001385012.1(NBEA):c.7744C>T (p.Pro2582Ser)

Gene: NBEA (neurobeachin; plus strand). Cytogenetic location: 13q13.3.
Variant type: single nucleotide variant.
Coding change: c.7744C>T on transcript NM_001385012.1 (MANE Select); coding-DNA position 7744, C replaced by T.
Protein change: p.Pro2582Ser; replaces proline 2582 with serine.
Molecular consequence: missense variant.
Genome position (GRCh38, 1-based): chr13:35,646,322, C>T. VCF-style: chr13-35646322-C-T. GRCh37 (hg19) VCF-style: chr13-36220459-C-T.
Other names: c.1060C>T, p.Pro354Ser (NM_001204197.3); c.7735C>T, p.Pro2579Ser (NM_001379245.1); c.7681C>T, p.Pro2561Ser (NM_015678.5); short protein forms P2561S, P2579S, P2582S, P354S.
Identifiers: ClinVar variation 3362853 (VCV003362853.3).